The following is an entry in ClinVar:

ClinVar aggregate classification (germline): Likely benign. Review status: reviewed by expert panel (3 of 4 stars). 2 submissions from 2 submitters: Likely benign (1). 1 of the submissions does not count toward it. Last evaluated 2024-11-04.

Conditions:
Hereditary thrombocytopenia and hematological cancer predisposition syndrome associated with RUNX1. Also called: Familial Platelet Disorder with Propensity to Acute Myelogenous Leukemia; Familial thrombocytopenia with propensity to acute myelogenous leukemia; PLATELET DISORDER, ASPIRIN-LIKE; RUNX1 Familial Platelet Disorder with Associated Myeloid Malignancies. Identifiers: Orphanet 71290, MedGen C1832388, MeSH C563324, MONDO:0100083, OMIM 601399.
Hereditary thrombocytopenia and hematologic cancer predisposition syndrome. Identifiers: Orphanet 71290, MedGen CN281654, MONDO:0011071.

gnomAD v4.1: 4 of 1,568,808 alleles (0.00025%); highest among the groups gnomAD compares: East Asian, 0.0094%; no homozygotes.

Submissions (2):

ClinGen Myeloid Malignancy Variant Curation Expert Panel
Classification: Likely benign for Hereditary thrombocytopenia and hematologic cancer predisposition syndrome. Last evaluated: 2024-11-04. Review status: reviewed by expert panel. Criteria: ClinGen MyeloMalig ACMG Specifications v2. Collection method: curation. Allele origin: germline. Inheritance: Autosomal dominant inheritance.
Comment: NM_001754.5(RUNX1):c.968-16C>G is an intronic variant located in intron 8. Evolutionary conservation prediction algorithms suggest the site is not conserved (phyloP100 score of 0.2, which is below the threshold of 2.0) (BP7). Additionally, SpliceAI predicts no impact on the splice consensus sequence and no creation of a new splice site (BP4). To date, this variant has not been reported in any patients with RUNX1-related diseases. In summary, this variant meets the criteria to be classified as likely benign. The ACMG/AMP criteria applied, as specified by the Myeloid Malignancy Variant Curation Expert Panel for RUNX1: BP4, BP7.

Labcorp Genetics (formerly Invitae), Labcorp
Classification: Likely benign for Hereditary thrombocytopenia and hematological cancer predisposition syndrome associated with RUNX1. Last evaluated: 2025-03-17. Review status: criteria provided, single submitter. Criteria: Invitae Variant Classification Sherloc (09022015). Collection method: clinical testing. Allele origin: germline. Not counted in ClinVar's aggregate classification.

NM_001754.5(RUNX1):c.968-16C>G

Gene: RUNX1 (RUNX family transcription factor 1; minus strand). Cytogenetic location: 21q22.12.
Variant type: single nucleotide variant.
Coding change: c.968-16C>G on transcript NM_001754.5 (MANE Select); 16 bases into the intron before coding-DNA position 968, C replaced by G.
Molecular consequence: intron variant.
Genome position (GRCh38, 1-based): chr21:34,792,626, G>C on the plus strand (C>G on the coding strand, the complement: RUNX1 is on the minus strand). VCF-style: chr21-34792626-G-C. GRCh37 (hg19) VCF-style: chr21-36164923-G-C.
Other names: c.887-16C>G (NM_001001890.3).
Identifiers: ClinVar variation 1618806 (VCV001618806.9), dbSNP rs558410967, ClinGen allele CA10014235.